The following is an entry in ClinVar:

ClinVar aggregate classification (germline): Conflicting classifications of pathogenicity. Review status: criteria provided, conflicting classifications (1 of 4 stars). 6 submissions from 6 submitters: Likely pathogenic (1); Uncertain significance (5). Last evaluated 2025-07-22.

Conditions:
Dyskeratosis congenita, autosomal dominant 2. Identifiers: MedGen C3151443, MONDO:0013521, OMIM 613989.
Idiopathic Pulmonary Fibrosis. Also called: Idiopathic fibrosing alveolitis, chronic form; idiopathic fibrosing alveolitis. Identifiers: Orphanet 2032, MedGen C1800706, MeSH D054990, MONDO:0800504.
TERT-related disorder. Also called: TERT-related condition; TERT-related disorders.

Allele frequency attached by ClinVar (database versions not stated): gnomAD exomes below 0.00001 and 0.00001.
gnomAD v4.1: 3 of 1,614,178 alleles (0.00019%); highest among the groups gnomAD compares: Admixed American, 0.0033%; no homozygotes.

Submissions (6):

Labcorp Genetics (formerly Invitae), Labcorp
Classification: Uncertain significance for Dyskeratosis congenita, autosomal dominant 2; Idiopathic Pulmonary Fibrosis. Last evaluated: 2025-07-22. Review status: criteria provided, single submitter. Criteria: Invitae Variant Classification Sherloc (09022015). Collection method: clinical testing. Allele origin: germline.
Comment: This sequence change replaces arginine, which is basic and polar, with tryptophan, which is neutral and slightly polar, at codon 743 of the TERT protein (p.Arg743Trp). This variant is present in population databases (no rsID available, gnomAD 0.006%). This missense change has been observed in individual(s) with clinical features of TERT-related conditions (PMID: 24833766, 33709208; internal data). ClinVar contains an entry for this variant (Variation ID: 436991). Invitae Evidence Modeling of protein sequence and biophysical properties (such as structural, functional, and spatial information, amino acid conservation, physicochemical variation, residue mobility, and thermodynamic stability) has been performed for this missense variant. However, the output from this modeling did not meet the statistical confidence thresholds required to predict the impact of this variant on TERT protein function. In summary, the available evidence is currently insufficient to determine the role of this variant in disease. Therefore, it has been classified as a Variant of Uncertain Significance.

PreventionGenetics, part of Exact Sciences
Classification: Uncertain significance for TERT-related condition. Last evaluated: 2025-06-13. Review status: criteria provided, single submitter. Criteria: ACMG Guidelines, 2015. Collection method: clinical testing. Allele origin: germline.
Comment: The TERT c.2227C>T variant is predicted to result in the amino acid substitution p.Arg743Trp. This variant has been reported in individuals with TERT-related disorders (see, for example, Silhan et al. 2014. PubMed ID: 24833766; Supplemental Table 1, Norris et al. 2021. PubMed ID: 33709208; Table S1, Liu et al. 2023. PubMed ID: 36622818). This variant is reported in 0.0058% of alleles in individuals of Latino descent in gnomAD. At this time, the clinical significance of this variant is uncertain due to the absence of conclusive functional and genetic evidence.

GeneDx
Classification: Uncertain significance. Last evaluated: 2024-01-04. Review status: criteria provided, single submitter. Criteria: GeneDx Variant Classification Process June 2021. Collection method: clinical testing. Allele origin: germline. Affected: yes.
Comment: In silico analysis supports that this missense variant has a deleterious effect on protein structure/function; This variant is associated with the following publications: (PMID: 24833766, 33709208)

Mayo Clinic Laboratories, Mayo Clinic
Classification: Uncertain significance. Last evaluated: 2019-12-31. Review status: criteria provided, single submitter. Criteria: ACMG Guidelines, 2015. Collection method: clinical testing. Allele origin: germline. Observed: 1 variant allele.

Genetic Services Laboratory, University of Chicago
Classification: Uncertain significance. Last evaluated: 2019-02-27. Review status: criteria provided, single submitter. Criteria: ACMG Guidelines, 2015. Collection method: clinical testing. Allele origin: germline. Affected: no.

Dept. of Cytogenetics, ICMR- National Institute of Immunohaematology
Classification: Likely pathogenic for Dyskeratosis congenita, autosomal dominant 2. Review status: criteria provided, single submitter. Criteria: ACMG Guidelines, 2015. Collection method: clinical testing. Allele origin: inherited. Affected: yes. Observed: 1 variant allele.
Comment: Identified in Compound heterozygous condition

Literature cited by the submitters: PubMed 24833766 (cited by Labcorp Genetics (formerly Invitae), Labcorp); PubMed 33709208 (cited by Labcorp Genetics (formerly Invitae), Labcorp).

NM_198253.3(TERT):c.2227C>T (p.Arg743Trp)

Gene: TERT (telomerase reverse transcriptase; minus strand). Cytogenetic location: 5p15.33.
Variant type: single nucleotide variant.
Coding change: c.2227C>T on transcript NM_198253.3 (MANE Select); coding-DNA position 2227, C replaced by T.
Protein change: p.Arg743Trp; replaces arginine 743 with tryptophan.
Molecular consequence: missense variant. On other transcripts: non-coding transcript variant (2).
Genome position (GRCh38, 1-based): chr5:1,278,700, G>A on the plus strand (C>T on the coding strand, the complement: TERT is on the minus strand). VCF-style: chr5-1278700-G-A. GRCh37 (hg19) VCF-style: chr5-1278815-G-A.
Other names: c.2227C>T, p.Arg743Trp (NM_001193376.3); short protein forms R743W.
Identifiers: ClinVar variation 436991 (VCV000436991.22), dbSNP rs1388515349, ClinGen allele CA359079200.
Genomic context (GRCh38, chr5:1,278,700, plus strand): 5'-CGTGGCTCTTGAAGGCCTTGCGGACGTGCCCATGGGCGGCCTTCTGGACCACGGCATACC[G>A]ACGCACGCAGTACGTGTTCTGGGGTTTGATGATGCTGGCGATGACCTCCGTGAGCCTGTC-3'
Protein context (NP_937983.2, residues 733-753): IKPQNTYCVR[Arg743Trp]YAVVQKAAHG